The following is an entry in ClinVar:

NM_002454.3(MTRR):c.953C>T (p.Pro318Leu)

Gene: MTRR (5-methyltetrahydrofolate-homocysteine methyltransferase reductase; plus strand). Cytogenetic location: 5p15.31.
Variant type: single nucleotide variant.
Coding change: c.953C>T on transcript NM_002454.3 (MANE Select); coding-DNA position 953, C replaced by T.
Protein change: p.Pro318Leu; replaces proline 318 with leucine.
Molecular consequence: missense variant. On other transcripts: non-coding transcript variant (14).
Genome position (GRCh38, 1-based): chr5:7,885,750, C>T. VCF-style: chr5-7885750-C-T. GRCh37 (hg19) VCF-style: chr5-7885863-C-T.
Other names: c.953C>T, p.Pro318Leu (NM_001364440.2, NM_001364441.2, NM_001364442.2 and 1 more transcripts); short protein forms P318L.
Identifiers: ClinVar variation 1443311 (VCV001443311.8), dbSNP rs2126745024, ClinGen allele CA359157841.
Genomic context (GRCh38, chr5:7,885,750, plus strand): 5'-CTCTTCTCTAGAATACAGACTTTTCCTATCAGCCTGGAGATGCCTTCAGCGTGATCTGCC[C>T]TAACAGTGATTCTGAGGTACAAAGCCTACTCCAAAGACTGCAGCTTGAAGATAAAAGAGA-3'
Protein context (NP_002445.2, residues 308-328): QPGDAFSVIC[Pro318Leu]NSDSEVQSLL

ClinVar aggregate classification (germline): Uncertain significance (1 of 4 stars; one submission).

Conditions:
Methylcobalamin deficiency type cblE (HMAE). Also called: HOMOCYSTINURIA-MEGALOBLASTIC ANEMIA, cblE TYPE; VITAMIN B12-RESPONSIVE HOMOCYSTINURIA, cblE TYPE; HOMOCYSTINURIA-MEGALOBLASTIC ANEMIA, cblE COMPLEMENTATION TYPE. Identifiers: Orphanet 2169, Orphanet 622, MedGen C1856057, MONDO:0009354, OMIM 236270.

gnomAD v4.1: 1 of 1,613,890 alleles (0.000062%); no homozygotes.

Submission:

Labcorp Genetics (formerly Invitae), Labcorp
Classification: Uncertain significance for Methylcobalamin deficiency type cblE. Last evaluated: 2021-12-02. Review status: criteria provided, single submitter. Criteria: Invitae Variant Classification Sherloc (09022015). Collection method: clinical testing. Allele origin: germline.
Comment: This sequence change replaces proline, which is neutral and non-polar, with leucine, which is neutral and non-polar, at codon 318 of the MTRR protein (p.Pro318Leu). This variant is not present in population databases (gnomAD no frequency). This variant has not been reported in the literature in individuals affected with MTRR-related conditions. Algorithms developed to predict the effect of missense changes on protein structure and function are either unavailable or do not agree on the potential impact of this missense change (SIFT: "Deleterious"; PolyPhen-2: "Probably Damaging"; Align-GVGD: "Class C0"). In summary, the available evidence is currently insufficient to determine the role of this variant in disease. Therefore, it has been classified as a Variant of Uncertain Significance.